The following is an entry in ClinVar:

ClinVar aggregate classification (germline): Likely pathogenic (1 of 4 stars; one submission).

Submission:

Labcorp Genetics (formerly Invitae), Labcorp
Classification: Likely pathogenic. Last evaluated: 2023-12-19. Review status: criteria provided, single submitter. Criteria: Invitae Variant Classification Sherloc (09022015). Collection method: clinical testing. Allele origin: germline.
Comment: This sequence change creates a premature translational stop signal (p.Lys819*) in the TOPORS gene. While this is not anticipated to result in nonsense mediated decay, it is expected to disrupt the last 227 amino acid(s) of the TOPORS protein. This variant is not present in population databases (gnomAD no frequency). This premature translational stop signal has been observed in individual(s) with retinitis pigmentosa (Invitae). ClinVar contains an entry for this variant (Variation ID: 1021098). This variant is located in a region of the TOPORS protein where a significant number of TOPORS nonsense and frameshift mutations have been reported in association with autosomal dominant retinitis pigmentosa (PMID: 35579903, 17924349, 32531858). In summary, the currently available evidence indicates that the variant is pathogenic, but additional data are needed to prove that conclusively. Therefore, this variant has been classified as Likely Pathogenic.

Literature cited by the submitters: PubMed 35579903; PubMed 17924349; PubMed 32531858.

NM_005802.5(TOPORS):c.2455A>T (p.Lys819Ter)

Gene: TOPORS (TOP1 binding arginine/serine rich protein, E3 ubiquitin ligase; minus strand). Cytogenetic location: 9p21.1.
Variant type: single nucleotide variant.
Coding change: c.2455A>T on transcript NM_005802.5 (MANE Select); coding-DNA position 2455, A replaced by T.
Protein change: p.Lys819Ter; replaces lysine 819 with a stop codon.
Molecular consequence: nonsense.
Genome position (GRCh38, 1-based): chr9:32,542,070, T>A on the plus strand (A>T on the coding strand, the complement: TOPORS is on the minus strand). VCF-style: chr9-32542070-T-A. GRCh37 (hg19) VCF-style: chr9-32542068-T-A.
Other names: c.2260A>T, p.Lys754Ter (NM_001195622.2); short protein forms K754*, K819*.
Identifiers: ClinVar variation 1021098 (VCV001021098.8), dbSNP rs768332878, ClinGen allele CA373163439.
Genomic context (GRCh38, chr9:32,542,070, plus strand): 5'-CATTTTTGTAGTTTCCATCCAATTTTGATGAAGATTTTTGGTAATGACTGTCCTTTGCTT[T>A]AGAAGCAAATTCACGAGATGGCTGAGCCACTTCGTTAGTACCCTCCAAATGCCGTGTTTT-3'